The following is an entry in ClinVar:

NM_004304.5(ALK):c.473C>G (p.Pro158Arg)

Gene: ALK (ALK receptor tyrosine kinase; minus strand). Cytogenetic location: 2p23.1.
Variant type: single nucleotide variant.
Coding change: c.473C>G on transcript NM_004304.5 (MANE Select); coding-DNA position 473, C replaced by G.
Protein change: p.Pro158Arg; replaces proline 158 with arginine.
Molecular consequence: missense variant.
Genome position (GRCh38, 1-based): chr2:29,920,187, G>C on the plus strand (C>G on the coding strand, the complement: ALK is on the minus strand). VCF-style: chr2-29920187-G-C. GRCh37 (hg19) VCF-style: chr2-30143053-G-C.
Other names: short protein forms P158R.
Identifiers: ClinVar variation 3524746 (VCV003524746.1).

ClinVar aggregate classification (germline): Uncertain significance (1 of 4 stars; one submission).

Conditions:
Hereditary cancer-predisposing syndrome. Also called: Hereditary Cancer Syndrome; Hereditary neoplastic syndrome; Tumor predisposition; Neoplastic Syndromes, Hereditary. Identifiers: Orphanet 140162, MedGen C0027672, MeSH D009386, MONDO:0015356.

gnomAD v4.1: 1 of 1,613,536 alleles (0.000062%); highest among the groups gnomAD compares: Non-Finnish European, 0.000085%; no homozygotes.

Submission:

Ambry Genetics
Classification: Uncertain significance for Hereditary cancer-predisposing syndrome. Last evaluated: 2024-09-21. Review status: criteria provided, single submitter. Criteria: Ambry Variant Classification Scheme 2023. Collection method: clinical testing. Allele origin: germline.
Comment: The p.P158R variant (also known as c.473C>G), located in coding exon 1 of the ALK gene, results from a C to G substitution at nucleotide position 473. The proline at codon 158 is replaced by arginine, an amino acid with dissimilar properties. This amino acid position is conserved. In addition, this alteration is predicted to be tolerated by in silico analysis. Based on the available evidence, the clinical significance of this variant remains unclear.